The following is an entry in ClinVar:

NM_005591.4(MRE11):c.353T>G (p.Ile118Ser)

Gene: MRE11 (MRE11 double strand break repair nuclease; minus strand). Cytogenetic location: 11q21.
Variant type: single nucleotide variant.
Coding change: c.353T>G on transcript NM_005591.4 (MANE Select); coding-DNA position 353, T replaced by G.
Protein change: p.Ile118Ser; replaces isoleucine 118 with serine.
Molecular consequence: missense variant.
Genome position (GRCh38, 1-based): chr11:94,479,723, A>C on the plus strand (T>G on the coding strand, the complement: MRE11 is on the minus strand). VCF-style: chr11-94479723-A-C. GRCh37 (hg19) VCF-style: chr11-94212889-A-C.
Other names: c.353T>G, p.Ile118Ser (NM_001330347.2, NM_005590.4); short protein forms I118S.
Identifiers: ClinVar variation 823905 (VCV000823905.4), dbSNP rs1591708624, ClinGen allele CA382378488.

ClinVar aggregate classification (germline): Uncertain significance (1 of 4 stars; one submission).

Conditions:
Hereditary cancer-predisposing syndrome. Also called: Neoplastic Syndromes, Hereditary; Tumor predisposition; Hereditary neoplastic syndrome; Hereditary Cancer Syndrome. Identifiers: Orphanet 140162, MedGen C0027672, MeSH D009386, MONDO:0015356.

Submission:

Ambry Genetics
Classification: Uncertain significance for Hereditary cancer-predisposing syndrome. Last evaluated: 2018-11-23. Review status: criteria provided, single submitter. Criteria: Ambry Variant Classification Scheme 2023. Collection method: clinical testing. Allele origin: germline.
Comment: The p.I118S variant (also known as c.353T>G), located in coding exon 4 of the MRE11A gene, results from a T to G substitution at nucleotide position 353. The isoleucine at codon 118 is replaced by serine, an amino acid with dissimilar properties. This amino acid position is highly conserved in available vertebrate species. In addition, this alteration is predicted to be deleterious by in silico analysis. Since supporting evidence is limited at this time, the clinical significance of this alteration remains unclear.